The following is an entry in ClinVar:

NM_016151.4(TAOK2):c.3226C>T (p.Arg1076Trp)

Gene: TAOK2 (TAO kinase 2; plus strand). Cytogenetic location: 16p11.2.
Variant type: single nucleotide variant.
Coding change: c.3226C>T on transcript NM_016151.4 (MANE Select); coding-DNA position 3226, C replaced by T.
Protein change: p.Arg1076Trp; replaces arginine 1076 with tryptophan.
Molecular consequence: missense variant. On other transcripts: intron variant (1).
Genome position (GRCh38, 1-based): chr16:29,987,498, C>T. VCF-style: chr16-29987498-C-T. GRCh37 (hg19) VCF-style: chr16-29998819-C-T.
Other names: c.2232+994C>T (NM_004783.4); c.2887C>T, p.Arg963Trp (NM_001252043.2); short protein forms R1076W, R963W.
Identifiers: ClinVar variation 1924945 (VCV001924945.5), dbSNP rs768000716, ClinGen allele CA7998524.

ClinVar aggregate classification (germline): Uncertain significance (1 of 4 stars; one submission).

Allele frequency attached by ClinVar (database versions not stated): gnomAD 0.00001; gnomAD exomes 0.00001.

Submission:

Labcorp Genetics (formerly Invitae), Labcorp
Classification: Uncertain significance. Last evaluated: 2023-09-01. Review status: criteria provided, single submitter. Criteria: Invitae Variant Classification Sherloc (09022015). Collection method: clinical testing. Allele origin: germline.
Comment: In summary, the available evidence is currently insufficient to determine the role of this variant in disease. Therefore, it has been classified as a Variant of Uncertain Significance. An algorithm developed to predict the effect of missense changes on protein structure and function (PolyPhen-2) suggests that this variant is likely to be tolerated. ClinVar contains an entry for this variant (Variation ID: 1924945). This variant has not been reported in the literature in individuals affected with TAOK2-related conditions. This variant is present in population databases (rs768000716, gnomAD 0.002%). This sequence change replaces arginine, which is basic and polar, with tryptophan, which is neutral and slightly polar, at codon 1076 of the TAOK2 protein (p.Arg1076Trp).